The following is an entry in ClinVar:

ClinVar aggregate classification (germline): Uncertain significance. Review status: criteria provided, multiple submitters, no conflicts (2 of 4 stars). 2 submissions from 2 submitters: Uncertain significance (2). Last evaluated 2024-03-21.

Conditions:
Inborn genetic diseases. Identifiers: MedGen C0950123, MeSH D030342.

gnomAD v4.1: 2 of 1,597,160 alleles (0.00013%); highest among the groups gnomAD compares: African/African-American, 0.0013%; no homozygotes.

Submissions (2):

Ambry Genetics
Classification: Uncertain significance for Inborn genetic diseases. Last evaluated: 2024-03-21. Review status: criteria provided, single submitter. Criteria: Ambry Variant Classification Scheme 2023. Collection method: clinical testing. Allele origin: germline.
Comment: The c.1739G>A (p.G580D) alteration is located in exon 14 (coding exon 14) of the CERT1 gene. This alteration results from a G to A substitution at nucleotide position 1739, causing the glycine (G) at amino acid position 580 to be replaced by an aspartic acid (D). This variant was not reported in population-based cohorts in the Genome Aggregation Database (gnomAD). This amino acid position is highly conserved in available vertebrate species. This alteration is predicted to be deleterious by in silico analysis. Based on insufficient or conflicting evidence, the clinical significance of this alteration remains unclear.

GeneDx
Classification: Uncertain significance. Last evaluated: 2022-06-15. Review status: criteria provided, single submitter. Criteria: GeneDx Variant Classification Process June 2021. Collection method: clinical testing. Allele origin: germline. Affected: yes.
Comment: Not observed at significant frequency in large population cohorts (gnomAD); In silico analysis supports that this missense variant has a deleterious effect on protein structure/function; Has not been previously published as pathogenic or benign to our knowledge

NM_001379029.1(CERT1):c.1355G>A (p.Gly452Asp)

Gene: CERT1 (ceramide transporter 1; minus strand). Cytogenetic location: 5q13.3.
Variant type: single nucleotide variant.
Coding change: c.1355G>A on transcript NM_001379029.1 (MANE Select); coding-DNA position 1355, G replaced by A.
Protein change: p.Gly452Asp; replaces glycine 452 with aspartic acid.
Molecular consequence: missense variant.
Genome position (GRCh38, 1-based): chr5:75,385,964, C>T on the plus strand (G>A on the coding strand, the complement: CERT1 is on the minus strand). VCF-style: chr5-75385964-C-T. GRCh37 (hg19) VCF-style: chr5-74681789-C-T.
Other names: c.1739G>A, p.Gly580Asp (NM_001130105.1); c.1355G>A, p.Gly452Asp (NM_001379002.1, NM_005713.3); c.1277G>A, p.Gly426Asp (NM_001379003.1, NM_001379004.1, NM_031361.3); short protein forms G426D, G452D, G580D.
Identifiers: ClinVar variation 1804518 (VCV001804518.2), dbSNP rs1286958678, ClinGen allele CA360142110.